The following is an entry in ClinVar:

ClinVar aggregate classification (germline): Conflicting classifications of pathogenicity. Review status: criteria provided, conflicting classifications (1 of 4 stars). 5 submissions from 5 submitters: Likely pathogenic (2); Uncertain significance (2). 1 of the submissions does not count toward it. Last evaluated 2025-10-14.

Conditions:
TSC2-related disorder. Also called: TSC2-Related Disorders; TSC2-related condition.
Tuberous sclerosis syndrome (TSC). Also called: Tuberous Sclerosis Complex; Tuberous sclerosis. Identifiers: Orphanet 805, MedGen C0041341, MONDO:0001734.
Tuberous sclerosis 2 (TSC2). Identifiers: Orphanet 805, MedGen C1860707, MONDO:0013199, OMIM 613254.

Submissions (5):

Mayo Clinic Laboratories, Mayo Clinic
Classification: Likely pathogenic. Last evaluated: 2025-10-14. Review status: criteria provided, single submitter. Criteria: ACMG Guidelines, 2015. Collection method: clinical testing. Allele origin: germline. Observed: 1 variant allele.
Comment: PP3_moderate, PP4, PM1, PM2_supporting, PS3_supporting

Labcorp Genetics (formerly Invitae), Labcorp
Classification: Uncertain significance for Tuberous sclerosis 2. Last evaluated: 2024-10-25. Review status: criteria provided, single submitter. Criteria: Invitae Variant Classification Sherloc (09022015). Collection method: clinical testing. Allele origin: germline.
Comment: This sequence change replaces serine, which is neutral and polar, with phenylalanine, which is neutral and non-polar, at codon 1653 of the TSC2 protein (p.Ser1653Phe). This variant is not present in population databases (gnomAD no frequency). This missense change has been observed in individual(s) with clinical features of tuberous sclerosis (PMID: 14756965, 15024740). ClinVar contains an entry for this variant (Variation ID: 49336). Invitae Evidence Modeling of protein sequence and biophysical properties (such as structural, functional, and spatial information, amino acid conservation, physicochemical variation, residue mobility, and thermodynamic stability) has been performed for this missense variant. However, the output from this modeling did not meet the statistical confidence thresholds required to predict the impact of this variant on TSC2 protein function. Experimental studies have shown that this missense change affects TSC2 function (PMID: 22903760). In summary, the available evidence is currently insufficient to determine the role of this variant in disease. Therefore, it has been classified as a Variant of Uncertain Significance.

Blueprint Genetics
Classification: Likely pathogenic for TSC2-related disorders. Last evaluated: 2024-10-22. Review status: criteria provided, single submitter. Criteria: ACMG Guidelines, 2015. Collection method: clinical testing. Allele origin: germline. Affected: yes. Observed: 2 variant alleles.

Neuberg Centre For Genomic Medicine, NCGM
Classification: Uncertain significance for Tuberous sclerosis 2. Last evaluated: 2023-06-22. Review status: criteria provided, single submitter. Criteria: ACMG Guidelines, 2015. Collection method: clinical testing. Allele origin: germline. Inheritance: Autosomal dominant inheritance. Affected: yes.
Comment: The observed missense variant c.4958C>T(p.Ser1653Phe) in TSC2 gene has been reported previously in an individual with Tuberous sclerosis complex (Feng JH, et al., 2004). A different amino acid change 4957T>C (p.Ser1653Pro) as a known pathogenic variant has been reported in ClinVar. The (p.Ser1653Phe) variant is absent in gnomAD Exomes. It has been submitted to ClinVar as Uncertain Significance. The amino acid Ser at position 1653 is changed to a Phe changing protein sequence and it might alter its composition and physico-chemical properties. The reference amino acid p.Ser1653Phe in TSC2 is predicted as conserved by GERP++ and PhyloP across 100 vertebrates. Since, study on multiple affected individuals and functional impact of the variant is not available. For these reasons, this variant has been classified as Uncertain Significance.

Tuberous sclerosis database (TSC2)
No classification provided. Condition: TSC. Review status: no classification provided. Criteria: Tuberous Sclerosis Database Assertion Criteria 2015. Collection method: curation. Allele origin: germline. Affected: yes. Not counted in ClinVar's aggregate classification.

Literature cited by the submitters: PubMed 14756965 (cited by Mayo Clinic Laboratories, Mayo Clinic and Labcorp Genetics (formerly Invitae), Labcorp); PubMed 15024740 (cited by Mayo Clinic Laboratories, Mayo Clinic and Labcorp Genetics (formerly Invitae), Labcorp); PubMed 22903760 (cited by Mayo Clinic Laboratories, Mayo Clinic and Labcorp Genetics (formerly Invitae), Labcorp); PubMed 32555378 (cited by Mayo Clinic Laboratories, Mayo Clinic).

NM_000548.5(TSC2):c.4958C>T (p.Ser1653Phe)

Gene: TSC2 (TSC complex subunit 2; plus strand). Cytogenetic location: 16p13.3.
Variant type: single nucleotide variant.
Coding change: c.4958C>T on transcript NM_000548.5 (MANE Select); coding-DNA position 4958, C replaced by T.
Protein change: p.Ser1653Phe; replaces serine 1653 with phenylalanine.
Molecular consequence: missense variant.
Genome position (GRCh38, 1-based): chr16:2,086,840, C>T. VCF-style: chr16-2086840-C-T. GRCh37 (hg19) VCF-style: chr16-2136841-C-T.
Other names: c.4757C>T, p.Ser1586Phe (NM_001077183.3); c.4889C>T, p.Ser1630Phe (NM_001114382.3); c.4649C>T, p.Ser1550Phe (NM_001318827.2); c.4613C>T, p.Ser1538Phe (NM_001318829.2); c.4226C>T, p.Ser1409Phe (NM_001318831.2); c.4790C>T, p.Ser1597Phe (NM_001318832.2); c.4760C>T, p.Ser1587Phe (NM_001363528.2); c.4826C>T, p.Ser1609Phe (NM_001370404.1); and 1 more; short protein forms S1653F, S1609F, S1550F, S1586F, S1597F, S1630F, S1587F, S1610F.
Identifiers: ClinVar variation 49336 (VCV000049336.12), dbSNP rs45517383, ClinGen allele CA021398.
Genomic context (GRCh38, chr16:2,086,840, plus strand): 5'-ACCGCTGCGACAAGAAGCGCCACCTGGGCAACGACTTTGTGTCCATTGTCTACAATGACT[C>T]CGGTGAGGACTTCAAGCTTGGCACCATCAAGGTGAGTGAGGGGCCGTCAGTGAGGCTGGG-3'
Protein context (NP_000539.2, residues 1643-1663): NDFVSIVYND[Ser1653Phe]GEDFKLGTIK